The following is an entry in ClinVar:

ClinVar aggregate classification (germline): Uncertain significance (1 of 4 stars; one submission).

Submission:

Women's Health and Genetics/Laboratory Corporation of America, LabCorp
Classification: Uncertain significance. Last evaluated: 2025-01-20. Review status: criteria provided, single submitter. Criteria: LabCorp Variant Classification Summary - May 2015. Collection method: clinical testing. Allele origin: germline.
Comment: Variant summary: CUL7 c.3039-3C>G alters a conserved nucleotide located close to a canonical splice site and therefore could affect mRNA splicing, leading to a significantly altered protein sequence. Several computational tools predict a significant impact on normal splicing: One predict the variant abolishes a 3' acceptor site. Three predict the variant weakens a 3' acceptor site. However, these predictions have yet to be confirmed by functional studies. The variant was absent in 251210 control chromosomes (gnomAD). The available data on variant occurrences in the general population are insufficient to allow any conclusion about variant significance. To our knowledge, no occurrence of c.3039-3C>G in individuals affected with Three M Syndrome 1 and no experimental evidence demonstrating its impact on protein function have been reported. No submitters have cited clinical-significance assessments for this variant to ClinVar. Based on the evidence outlined above, the variant was classified as uncertain significance.

NM_014780.5(CUL7):c.3039-3C>G

Gene: CUL7 (cullin 7; minus strand). Cytogenetic location: 6p21.1.
Variant type: single nucleotide variant.
Coding change: c.3039-3C>G on transcript NM_014780.5 (MANE Select); 3 bases into the intron before coding-DNA position 3039, C replaced by G.
Molecular consequence: intron variant.
Genome position (GRCh38, 1-based): chr6:43,044,888, G>C on the plus strand (C>G on the coding strand, the complement: CUL7 is on the minus strand). VCF-style: chr6-43044888-G-C. GRCh37 (hg19) VCF-style: chr6-43012626-G-C.
Other names: c.3135-3C>G (NM_001168370.2, NM_001374872.1); c.3039-3C>G (NM_001374874.1, NM_001374873.1).
Identifiers: ClinVar variation 3769533 (VCV003769533.2).